The following is an entry in ClinVar:

ClinVar aggregate classification (germline): Uncertain significance. Review status: criteria provided, multiple submitters, no conflicts (2 of 4 stars). 2 submissions from 2 submitters: Uncertain significance (2). Last evaluated 2026-01-18.

Conditions:
EHHADH-related disorder. Also called: EHHADH-related condition.

Allele frequency attached by ClinVar (database versions not stated): gnomAD 0.00001; gnomAD exomes 0.00001.
gnomAD v4.1: 5 of 1,614,048 alleles (0.00031%); highest among the groups gnomAD compares: Admixed American, 0.0067%; no homozygotes.

Submissions (2):

PreventionGenetics, part of Exact Sciences
Classification: Uncertain significance for EHHADH-related condition. Last evaluated: 2026-01-18. Review status: criteria provided, single submitter. Criteria: ACMG Guidelines, 2015. Collection method: clinical testing. Allele origin: germline.
Comment: The EHHADH c.1478A>G variant is predicted to result in the amino acid substitution p.Tyr493Cys. To our knowledge, this variant has not been reported in the literature. This variant is reported in 0.0056% of alleles in individuals of Latino descent in gnomAD. At this time, the clinical significance of this variant is uncertain due to the absence of conclusive functional and genetic evidence.

Eurofins Ntd Llc (ga)
Classification: Uncertain significance. Last evaluated: 2017-12-12. Review status: criteria provided, single submitter. Criteria: EGL Classification Definitions 2015. Collection method: clinical testing. Allele origin: germline. Observed: 1 variant allele, 1 heterozygote.

NM_001966.4(EHHADH):c.1478A>G (p.Tyr493Cys)

Gene: EHHADH (enoyl-CoA hydratase and 3-hydroxyacyl CoA dehydrogenase; minus strand). Cytogenetic location: 3q27.2.
Variant type: single nucleotide variant.
Coding change: c.1478A>G on transcript NM_001966.4 (MANE Select); coding-DNA position 1478, A replaced by G.
Protein change: p.Tyr493Cys; replaces tyrosine 493 with cysteine.
Molecular consequence: missense variant.
Genome position (GRCh38, 1-based): chr3:185,192,920, T>C on the plus strand (A>G on the coding strand, the complement: EHHADH is on the minus strand). VCF-style: chr3-185192920-T-C. GRCh37 (hg19) VCF-style: chr3-184910708-T-C.
Other names: c.1190A>G, p.Tyr397Cys (NM_001166415.2); c.1478A>G (NM_001966.3); short protein forms Y493C, Y397C.
Identifiers: ClinVar variation 595412 (VCV000595412.6), dbSNP rs1219127385, ClinGen allele CA355677391.